The following is an entry in ClinVar:

ClinVar aggregate classification (germline): Benign. Review status: criteria provided, multiple submitters, no conflicts (2 of 4 stars). 2 submissions from 2 submitters: Benign (2). Last evaluated 2018-06-14.

Allele frequency attached by ClinVar (database versions not stated): gnomAD 0.78472 and 0.79482; TOPMed 0.79269; 1000 Genomes Project 30x 0.84947; 1000 Genomes Project 0.85643.

Submissions (2):

GeneDx
Classification: Benign. Last evaluated: 2018-06-14. Review status: criteria provided, single submitter. Criteria: GeneDx Variant Classification (06012015). Collection method: clinical testing. Allele origin: germline. Affected: yes.
Comment: This variant is considered likely benign or benign based on one or more of the following criteria: it is a conservative change, it occurs at a poorly conserved position in the protein, it is predicted to be benign by multiple in silico algorithms, and/or has population frequency not consistent with disease.

Breakthrough Genomics
Classification: Benign. Review status: criteria provided, single submitter. Criteria: ACMG Guidelines, 2015. Collection method: not provided. Allele origin: germline. Inheritance: Autosomal dominant inheritance. Affected: yes.

NM_144670.6(A2ML1):c.856-119A>G

Gene: A2ML1 (alpha-2-macroglobulin like 1; plus strand). Cytogenetic location: 12p13.31.
Variant type: single nucleotide variant.
Coding change: c.856-119A>G on transcript NM_144670.6 (MANE Select); 119 bases into the intron before coding-DNA position 856, A replaced by G.
Molecular consequence: intron variant.
Genome position (GRCh38, 1-based): chr12:8,838,217, A>G. VCF-style: chr12-8838217-A-G. GRCh37 (hg19) VCF-style: chr12-8990813-A-G.
Identifiers: ClinVar variation 561533 (VCV000561533.2), dbSNP rs10743504, ClinGen allele CA232672131.
Genomic context (GRCh38, chr12:8,838,217, plus strand): 5'-AAGTCATTTCATGATTATCTATGTGCAAGTGTATACTTCATGTTGTAGGAGAGTTTTTCT[A>G]TATTAGAAACTGAAGTGTGGAGATGAGAAATTATTTCCTTCTACAGAACATTATAAAATG-3'